The following is an entry in ClinVar:

ClinVar aggregate classification (germline): Likely pathogenic. Review status: criteria provided, multiple submitters, no conflicts (2 of 4 stars). 2 submissions from 2 submitters: Likely pathogenic (2). Last evaluated 2023-12-15.

Conditions:
Primary hyperoxaluria, type II (HP2). Also called: Primary hyperoxaluria type 2; GLYCERIC ACIDURIA; GLYOXYLATE REDUCTASE/HYDROXYPYRUVATE REDUCTASE DEFICIENCY; OXALOSIS II; D-GLYCERATE DEHYDROGENASE DEFICIENCY. Identifiers: Orphanet 416, Orphanet 93599, MedGen C0268165, MONDO:0009824, OMIM 260000. Disease mechanism: loss of function.

Submissions (2):

Women's Health and Genetics/Laboratory Corporation of America, LabCorp
Classification: Likely pathogenic for Primary hyperoxaluria, type II. Last evaluated: 2023-12-15. Review status: criteria provided, single submitter. Criteria: LabCorp Variant Classification Summary - May 2015. Collection method: clinical testing. Allele origin: germline.
Comment: Variant summary: GRHPR c.206_214+11del20 removes 9 bp in exon 2 and 11 bp in intron 2, deleting a canonical splice-site which is predicted to affect mRNA splicing resulting in a significantly altered protein due to either exon skipping, shortening, or inclusion of intronic material. Two out of four computational tools predict that the variant abolishes a canonical 5' splicing donor site. However, these predictions have yet to be confirmed by functional studies. The variant was absent in 248022 control chromosomes (gnomAD). To our knowledge, no occurrence of c.206_214+11del20 in individuals affected with Primary Hyperoxaluria Type 2 and no experimental evidence demonstrating its impact on protein function have been reported. No submitters have cited clinical-significance assessments for this variant to ClinVar after 2014. Based on the evidence outlined above, the variant was classified as likely pathogenic.

Labcorp Genetics (formerly Invitae), Labcorp
Classification: Likely pathogenic. Last evaluated: 2022-10-27. Review status: criteria provided, single submitter. Criteria: Invitae Variant Classification Sherloc (09022015). Collection method: clinical testing. Allele origin: germline.
Comment: In summary, the currently available evidence indicates that the variant is pathogenic, but additional data are needed to prove that conclusively. Therefore, this variant has been classified as Likely Pathogenic. Algorithms developed to predict the effect of sequence changes on RNA splicing suggest that this variant may disrupt the consensus splice site. This variant has not been reported in the literature in individuals affected with GRHPR-related conditions. This variant is not present in population databases (gnomAD no frequency). This variant results in the deletion of part of exon 2 (c.206_214+11del) of the GRHPR gene. It is expected to disrupt RNA splicing. Variants that disrupt the donor or acceptor splice site typically lead to a loss of protein function (PMID: 16199547), and loss-of-function variants in GRHPR are known to be pathogenic (PMID: 25644115).

Literature cited by the submitters: PubMed 16199547 (cited by Labcorp Genetics (formerly Invitae), Labcorp); PubMed 25644115 (cited by Labcorp Genetics (formerly Invitae), Labcorp).

NM_012203.2(GRHPR):c.206_214+11del

Gene: GRHPR (glyoxylate and hydroxypyruvate reductase; plus strand). Cytogenetic location: 9p13.2.
Variant type: Deletion.
Coding change: c.206_214+11del on transcript NM_012203.2 (MANE Select); coding-DNA position 206 through 11 bases into the intron after coding-DNA position 214, 20 bases deleted (ATGCTGCAGGTGCACACTGG).
Molecular consequence: splice donor variant.
Genome position (GRCh38, 1-based): chr9:37,424,967-37,424,986, ATGCTGCAGGTGCACACTGG deleted; deleting any 20 consecutive bases within chr9:37,424,963-37,424,986 gives the same sequence; the c. name uses the placement nearest the transcript's 3' end. VCF-style (leftmost placement, unchanged base first): chr9-37424962-CCTGGATGCTGCAGGTGCACA-C. GRCh37 (hg19) VCF-style: chr9-37424959-CCTGGATGCTGCAGGTGCACA-C.
Other names: c.206_214+11del20 (NM_012203.2).
Identifiers: ClinVar variation 2691288 (VCV002691288.4), dbSNP rs2489232465, ClinGen allele CA2697557746.